The following is an entry in ClinVar:

ClinVar aggregate classification (germline): Conflicting classifications of pathogenicity. Review status: criteria provided, conflicting classifications (1 of 4 stars). 8 submissions from 8 submitters: Uncertain significance (4); Likely benign (4). Last evaluated 2026-07-31.

Conditions:
Inborn genetic diseases. Identifiers: MedGen C0950123, MeSH D030342.

Allele frequency attached by ClinVar (database versions not stated): gnomAD exomes 0.00003 and 0.00005; ExAC 0.00020; gnomAD 0.00028 and 0.00031; TOPMed 0.00037; ESP Exome Variant Server 0.00042.
gnomAD v4.1: 78 of 1,553,884 alleles (0.005%); highest among the groups gnomAD compares: African/African-American, 0.098%; no homozygotes.

Submissions (8):

Ambry Genetics
Classification: Uncertain significance for Inborn genetic diseases. Last evaluated: 2026-07-31. Review status: criteria provided, single submitter. Criteria: Ambry Variant Classification Scheme 2023. Collection method: clinical testing. Allele origin: germline.
Comment: The c.6632A>G (p.Y2211C) alteration is located in exon 33 (coding exon 33) of the NOTCH3 gene. This alteration results from a A to G substitution at nucleotide position 6632, causing the tyrosine (Y) at amino acid position 2211 to be replaced by a cysteine (C). Based on data from gnomAD, the G allele has an overall frequency of 0.007% (13/197222) total alleles studied. The highest observed frequency was 0.067% (12/17910) of African alleles. Based on insufficient or conflicting evidence, the clinical significance of this alteration remains unclear.

GeneDx
Classification: Uncertain significance. Last evaluated: 2026-06-13. Review status: criteria provided, single submitter. Criteria: GeneDx Variant Classification Process June 2021. Collection method: clinical testing. Allele origin: germline.
Comment: In silico analysis supports that this missense variant has a deleterious effect on protein structure/function; Has not been previously published as pathogenic or benign to our knowledge

Women's Health and Genetics/Laboratory Corporation of America, LabCorp
Classification: Uncertain significance. Last evaluated: 2026-05-11. Review status: criteria provided, single submitter. Criteria: LabCorp Variant Classification Summary - May 2015. Collection method: clinical testing. Allele origin: germline.
Comment: Variant summary: NOTCH3 c.6632A>G (p.Tyr2211Cys) results in a non-conservative amino acid change in the encoded protein sequence. Algorithms developed to predict the effect of missense changes on protein structure and function are either unavailable or do not agree on the potential impact of this missense change. The variant allele was found at a frequency of 4.8e-05 in 165954 control chromosomes. The available data on variant occurrences in the general population are insufficient to allow any conclusion about variant significance. To our knowledge, no occurrence of c.6632A>G in individuals affected with NOTCH3-related conditions and no experimental evidence demonstrating its impact on protein function have been reported. ClinVar contains an entry for this variant (Variation ID: 811244). Based on the evidence outlined above, the variant was classified as uncertain significance.

Mayo Clinic Laboratories, Mayo Clinic
Classification: Likely benign. Last evaluated: 2025-09-30. Review status: criteria provided, single submitter. Criteria: ACMG Guidelines, 2015. Collection method: clinical testing. Allele origin: germline. Observed: 1 variant allele.
Comment: BS2, BP4

Labcorp Genetics (formerly Invitae), Labcorp
Classification: Likely benign. Last evaluated: 2025-01-06. Review status: criteria provided, single submitter. Criteria: Invitae Variant Classification Sherloc (09022015). Collection method: clinical testing. Allele origin: germline.

Blueprint Genetics
Classification: Likely benign. Last evaluated: 2021-06-18. Review status: criteria provided, single submitter. Criteria: ACMG Guidelines, 2015. Collection method: clinical testing. Allele origin: germline.

Athena Diagnostics
Classification: Likely benign. Last evaluated: 2021-06-08. Review status: criteria provided, single submitter. Criteria: Athena Diagnostics criteria. Collection method: clinical testing. Allele origin: unknown.

ARUP Laboratories, Molecular Genetics and Genomics, ARUP Laboratories
Classification: Uncertain significance. Last evaluated: 2018-12-28. Review status: criteria provided, single submitter. Criteria: ARUP Molecular Germline Variant Investigation Process. Collection method: clinical testing. Allele origin: germline.
Comment: The NOTCH3 c.6632A>G; p.Tyr2211Cys variant (rs369813654), to our knowledge, is not reported in the medical literature or gene specific databases. This variant is found in the African population with an allele frequency of 0.067% (12/17,910 alleles) in the Genome Aggregation Database. The tyrosine at codon 2211 is highly conserved, but computational analyses (SIFT, PolyPhen-2) predict that this variant is tolerated. Due to limited information, the clinical significance of the p.Tyr2211Cys variant is uncertain at this time.

NM_000435.3(NOTCH3):c.6632A>G (p.Tyr2211Cys)

Gene: NOTCH3 (notch receptor 3; minus strand). Cytogenetic location: 19p13.12.
Variant type: single nucleotide variant.
Coding change: c.6632A>G on transcript NM_000435.3 (MANE Select); coding-DNA position 6632, A replaced by G.
Protein change: p.Tyr2211Cys; replaces tyrosine 2211 with cysteine.
Molecular consequence: missense variant.
Genome position (GRCh38, 1-based): chr19:15,160,996, T>C on the plus strand (A>G on the coding strand, the complement: NOTCH3 is on the minus strand). VCF-style: chr19-15160996-T-C. GRCh37 (hg19) VCF-style: chr19-15271807-T-C.
Other names: p.Tyr2211Cys; short protein forms Y2211C.
Identifiers: ClinVar variation 811244 (VCV000811244.19), dbSNP rs369813654, ClinGen allele CA9262334.